The following is an entry in ClinVar:

ClinVar aggregate classification (germline): Uncertain significance (1 of 4 stars; one submission).

Conditions:
Bethlem myopathy 1A. Also called: MYOPATHY, BENIGN CONGENITAL, WITH CONTRACTURES; Bethlem Muscular Dystrophy; Bethlem myopathy 1. Identifiers: Orphanet 610, MedGen CN029274, MONDO:0024530, OMIM 158810.

gnomAD v4.1: 3 of 1,612,990 alleles (0.00019%); highest among the groups gnomAD compares: Admixed American, 0.005%; no homozygotes.

Submission:

Labcorp Genetics (formerly Invitae), Labcorp
Classification: Uncertain significance for Bethlem myopathy 1A. Last evaluated: 2024-10-26. Review status: criteria provided, single submitter. Criteria: Invitae Variant Classification Sherloc (09022015). Collection method: clinical testing. Allele origin: germline.
Comment: This sequence change replaces valine, which is neutral and non-polar, with leucine, which is neutral and non-polar, at codon 616 of the COL6A2 protein (p.Val616Leu). This variant is not present in population databases (gnomAD no frequency). This variant has not been reported in the literature in individuals affected with COL6A2-related conditions. ClinVar contains an entry for this variant (Variation ID: 1353130). Invitae Evidence Modeling of protein sequence and biophysical properties (such as structural, functional, and spatial information, amino acid conservation, physicochemical variation, residue mobility, and thermodynamic stability) indicates that this missense variant is not expected to disrupt COL6A2 protein function with a negative predictive value of 80%. In summary, the available evidence is currently insufficient to determine the role of this variant in disease. Therefore, it has been classified as a Variant of Uncertain Significance.

NM_001849.4(COL6A2):c.1846G>C (p.Val616Leu)

Gene: COL6A2 (collagen type VI alpha 2 chain; plus strand). Cytogenetic location: 21q22.3.
Variant type: single nucleotide variant.
Coding change: c.1846G>C on transcript NM_001849.4 (MANE Select); coding-DNA position 1846, G replaced by C.
Protein change: p.Val616Leu; replaces valine 616 with leucine.
Molecular consequence: missense variant.
Genome position (GRCh38, 1-based): chr21:46,125,494, G>C. VCF-style: chr21-46125494-G-C. GRCh37 (hg19) VCF-style: chr21-47545408-G-C.
Other names: c.1846G>C, p.Val616Leu (NM_058174.3, NM_058175.3); short protein forms V616L.
Identifiers: ClinVar variation 1353130 (VCV001353130.6), dbSNP rs746193653, ClinGen allele CA410538470.
Genomic context (GRCh38, chr21:46,125,494, plus strand): 5'-GTACCCCCCGATGACCCTGCCACCCCCCCAGACTGTGAGAAGCGCTGTGGCGCCCTGGAC[G>C]TGGTCTTCGTCATCGACAGCTCCGAGAGCATTGGGTACACCAACTTCACACTGGAGAAGA-3'
Protein context (NP_001840.3, residues 606-626): DCEKRCGALD[Val616Leu]VFVIDSSESI